The following is an entry in ClinVar:

NM_001358921.2(COQ2):c.20C>T (p.Ala7Val)

Genes: COQ2 (coenzyme Q2, polyprenyltransferase; minus strand), LOC112997540 (Sharpr-MPRA regulatory region 13773; plus strand). Cytogenetic location: 4q21.23.
Variant type: single nucleotide variant.
Coding change: c.20C>T on transcript NM_001358921.2 (MANE Select); coding-DNA position 20, C replaced by T.
Protein change: p.Ala7Val; replaces alanine 7 with valine.
Molecular consequence: missense variant.
Genome position (GRCh38, 1-based): chr4:83,284,745, G>A on the plus strand (C>T on the coding strand, the complement: COQ2 is on the minus strand). VCF-style: chr4-83284745-G-A. GRCh37 (hg19) VCF-style: chr4-84205898-G-A.
Other names: c.170C>T, p.Ala57Val (NM_015697.9); short protein forms A57V, A7V.
Identifiers: ClinVar variation 1413189 (VCV001413189.5), dbSNP rs771636285, ClinGen allele CA2988696.

ClinVar aggregate classification (germline): Uncertain significance (1 of 4 stars; one submission).

Allele frequency attached by ClinVar (database versions not stated): gnomAD 0.00001; ExAC 0.00007; TOPMed 0.00001.
gnomAD v4.1: 37 of 1,530,474 alleles (0.0024%); highest among the groups gnomAD compares: Non-Finnish European, 0.0031%; no homozygotes.

Submission:

Labcorp Genetics (formerly Invitae), Labcorp
Classification: Uncertain significance. Last evaluated: 2022-06-28. Review status: criteria provided, single submitter. Criteria: Invitae Variant Classification Sherloc (09022015). Collection method: clinical testing. Allele origin: germline.
Comment: This sequence change replaces alanine, which is neutral and non-polar, with valine, which is neutral and non-polar, at codon 57 of the COQ2 protein (p.Ala57Val). The frequency data for this variant in the population databases is considered unreliable, as metrics indicate poor data quality at this position in the gnomAD database. This variant has not been reported in the literature in individuals affected with COQ2-related conditions. Algorithms developed to predict the effect of missense changes on protein structure and function output the following: SIFT: "Tolerated"; PolyPhen-2: "Benign"; Align-GVGD: "Class C0". The valine amino acid residue is found in multiple mammalian species, which suggests that this missense change does not adversely affect protein function. In summary, the available evidence is currently insufficient to determine the role of this variant in disease. Therefore, it has been classified as a Variant of Uncertain Significance.